The following is an entry in ClinVar:

ClinVar aggregate classification (germline): Uncertain significance (1 of 4 stars; one submission).

Conditions:
Glycogen storage disease type III (GSD3). Also called: Cori disease; FORBES DISEASE. Identifiers: Orphanet 366, MedGen C0017922, MONDO:0009291, OMIM 232400.

Submission:

Labcorp Genetics (formerly Invitae), Labcorp
Classification: Uncertain significance for Glycogen storage disease type III. Last evaluated: 2022-09-27. Review status: criteria provided, single submitter. Criteria: Invitae Variant Classification Sherloc (09022015). Collection method: clinical testing. Allele origin: germline.
Comment: This sequence change falls in intron 32 of the AGL gene. It does not directly change the encoded amino acid sequence of the AGL protein. It affects a nucleotide within the consensus splice site. This variant is not present in population databases (gnomAD no frequency). This variant has not been reported in the literature in individuals affected with AGL-related conditions. Variants that disrupt the consensus splice site are a relatively common cause of aberrant splicing (PMID: 17576681, 9536098). Algorithms developed to predict the effect of sequence changes on RNA splicing suggest that this variant is not likely to affect RNA splicing. In summary, the available evidence is currently insufficient to determine the role of this variant in disease. Therefore, it has been classified as a Variant of Uncertain Significance.

Literature cited by the submitters: PubMed 17576681; PubMed 9536098.

NM_000642.3(AGL):c.4347+6A>C

Gene: AGL (amylo-alpha-1,6-glucosidase and 4-alpha-glucanotransferase; plus strand). Cytogenetic location: 1p21.2.
Variant type: single nucleotide variant.
Coding change: c.4347+6A>C on transcript NM_000642.3 (MANE Select); 6 bases into the intron after coding-DNA position 4347, A replaced by C.
Molecular consequence: intron variant.
Genome position (GRCh38, 1-based): chr1:99,916,503, A>C. VCF-style: chr1-99916503-A-C. GRCh37 (hg19) VCF-style: chr1-100382059-A-C.
Other names: c.4347+6A>C (NM_000643.3, NM_000644.3, NM_001425325.1 and 1 more transcripts); c.4299+6A>C (NM_000646.3); c.4326+6A>C (NM_001425326.1); c.4146+6A>C (NM_001425327.1); c.4143+6A>C (NM_001425328.1); c.4008+6A>C (NM_001425329.1); c.3969+6A>C (NM_001425332.1).
Identifiers: ClinVar variation 2130601 (VCV002130601.1), dbSNP rs2523862713, ClinGen allele CA2580063408.
Genomic context (GRCh38, chr1:99,916,503, plus strand): 5'-ATTAGACAATGACAACTACAATCTTGCTAAAGGTTTCAATTATCACCAAGGACCTGTAAG[A>C]ATTTCATTTATCTTCTGAGTTTCAGTTTAAATTATTTTTCAAGTAATTTTTAGGTATTTA-3'